The following is an entry in ClinVar:

NM_003072.5(SMARCA4):c.4765G>A (p.Glu1589Lys)

Gene: SMARCA4 (SWI/SNF related BAF chromatin remodeling complex subunit ATPase 4; plus strand). Cytogenetic location: 19p13.2.
Variant type: single nucleotide variant.
Coding change: c.4765G>A on transcript NM_003072.5 (MANE Select); coding-DNA position 4765, G replaced by A.
Protein change: p.Glu1589Lys; replaces glutamic acid 1589 with lysine.
Molecular consequence: missense variant. On other transcripts: non-coding transcript variant (1).
Genome position (GRCh38, 1-based): chr19:11,059,882, G>A. VCF-style: chr19-11059882-G-A. GRCh37 (hg19) VCF-style: chr19-11170558-G-A.
Other names: c.4765G>A, p.Glu1589Lys (NM_001128844.3); c.4675G>A, p.Glu1559Lys (NM_001128845.2); c.4672G>A, p.Glu1558Lys (NM_001128846.2); c.4666G>A, p.Glu1556Lys (NM_001128847.4, NM_001374457.1); c.4663G>A, p.Glu1555Lys (NM_001128848.2); c.4861G>A, p.Glu1621Lys (NM_001128849.3, NM_001387283.1); short protein forms E1621K, E1558K, E1589K, E1555K, E1556K, E1559K.
Identifiers: ClinVar variation 408696 (VCV000408696.11), dbSNP rs141826721, ClinGen allele CA9204842.

ClinVar aggregate classification (germline): Uncertain significance. Review status: criteria provided, multiple submitters, no conflicts (2 of 4 stars). 2 submissions from 2 submitters: Uncertain significance (2). Last evaluated 2024-10-06.

Conditions:
Hereditary cancer-predisposing syndrome. Also called: Hereditary Cancer Syndrome; Hereditary neoplastic syndrome; Neoplastic Syndromes, Hereditary; Tumor predisposition. Identifiers: Orphanet 140162, MedGen C0027672, MeSH D009386, MONDO:0015356.
Rhabdoid tumor predisposition syndrome 2 (RTPS2). Identifiers: Orphanet 231108, Orphanet 69077, MedGen C2750074, MONDO:0013224, OMIM 613325.

Allele frequency attached by ClinVar (database versions not stated): gnomAD exomes below 0.00001; TOPMed below 0.00001; ExAC 0.00001; ESP Exome Variant Server 0.00008.
gnomAD v4.1: 5 of 1,613,870 alleles (0.00031%); highest among the groups gnomAD compares: East Asian, 0.0022%; no homozygotes.

Submissions (2):

Labcorp Genetics (formerly Invitae), Labcorp
Classification: Uncertain significance for Rhabdoid tumor predisposition syndrome 2. Last evaluated: 2024-10-06. Review status: criteria provided, single submitter. Criteria: Invitae Variant Classification Sherloc (09022015). Collection method: clinical testing. Allele origin: germline.
Comment: This sequence change replaces glutamic acid, which is acidic and polar, with lysine, which is basic and polar, at codon 1621 of the SMARCA4 protein (p.Glu1621Lys). This variant is present in population databases (rs141826721, gnomAD 0.0009%). This variant has not been reported in the literature in individuals affected with SMARCA4-related conditions. ClinVar contains an entry for this variant (Variation ID: 408696). Invitae Evidence Modeling of protein sequence and biophysical properties (such as structural, functional, and spatial information, amino acid conservation, physicochemical variation, residue mobility, and thermodynamic stability) indicates that this missense variant is not expected to disrupt SMARCA4 protein function with a negative predictive value of 95%. In summary, the available evidence is currently insufficient to determine the role of this variant in disease. Therefore, it has been classified as a Variant of Uncertain Significance.

Ambry Genetics
Classification: Uncertain significance for Hereditary cancer-predisposing syndrome. Last evaluated: 2024-01-10. Review status: criteria provided, single submitter. Criteria: Ambry Variant Classification Scheme 2023. Collection method: clinical testing. Allele origin: germline.
Comment: The p.E1621K variant (also known as c.4861G>A), located in coding exon 33 of the SMARCA4 gene, results from a G to A substitution at nucleotide position 4861. The glutamic acid at codon 1621 is replaced by lysine, an amino acid with similar properties. This amino acid position is highly conserved in available vertebrate species. In addition, this alteration is predicted to be deleterious by in silico analysis. Missense and in-frame variants in SMARCA4 are known to cause neurodevelopmental disorders; however, such associations with rhabdoid tumor predisposition syndrome including small cell carcinoma of the ovary-hypercalcemic type (SCCOHT) are exceedingly rare (Kosho T et al. Am J Med Genet C Semin Med Genet. 2014 Sep;166C(3):262-75; Jelinic P et al. Nat Genet. 2014 May;46(5):424-6). Since supporting evidence is limited at this time, the clinical significance of this alteration remains unclear.